The following is an entry in ClinVar:

ClinVar aggregate classification (germline): Uncertain significance (1 of 4 stars; one submission).

Conditions:
Giant axonal neuropathy 1 (GAN1). Also called: GIANT AXONAL NEUROPATHY 1, AUTOSOMAL RECESSIVE; GAN-Related Neurodegeneration. Identifiers: Orphanet 643, MedGen C1850386, MONDO:0009749, OMIM 256850.

Submission:

3billion
Classification: Uncertain significance for Giant axonal neuropathy 1. Last evaluated: 2025-07-03. Review status: criteria provided, single submitter. Criteria: ACMG Guidelines, 2015. Collection method: clinical testing. Allele origin: germline. Affected: yes.
Comment: The variant is not observed in the gnomAD v4.1.0 dataset. Predicted Consequence/Location: Missense variant In silico tool predictions suggest damaging effect of the variant on gene or gene product [3Cnet: 0.92 (> 0.75, sensitivity 0.96 and precision 0.92)]. Therefore, this variant is classified as VUS according to the recommendation of ACMG/AMP guideline.

NM_022041.4(GAN):c.1001A>C (p.Gln334Pro)

Gene: GAN (gigaxonin; plus strand). Cytogenetic location: 16q23.2.
Variant type: single nucleotide variant.
Coding change: c.1001A>C on transcript NM_022041.4 (MANE Select); coding-DNA position 1001, A replaced by C.
Protein change: p.Gln334Pro; replaces glutamine 334 with proline.
Molecular consequence: missense variant.
Genome position (GRCh38, 1-based): chr16:81,362,526, A>C. VCF-style: chr16-81362526-A-C. GRCh37 (hg19) VCF-style: chr16-81396131-A-C.
Other names: c.362A>C, p.Gln121Pro (NM_001377486.1); short protein forms Q121P, Q334P.
Identifiers: ClinVar variation 4853978 (VCV004853978.1).